The following is an entry in ClinVar:

ClinVar aggregate classification (germline): Uncertain significance. Review status: criteria provided, multiple submitters, no conflicts (2 of 4 stars). 2 submissions from 2 submitters: Uncertain significance (2). Last evaluated 2026-08-19.

Conditions:
NRP2-related disorder. Also called: NRP2-related condition.

gnomAD v4.1: 4 of 1,613,732 alleles (0.00025%); highest among the groups gnomAD compares: Non-Finnish European, 0.00025%; no homozygotes.

Submissions (2):

PreventionGenetics, part of Exact Sciences
Classification: Uncertain significance for NRP2-related condition. Last evaluated: 2026-08-19. Review status: criteria provided, single submitter. Criteria: ACMG Guidelines, 2015. Collection method: clinical testing. Allele origin: germline.
Comment: The NRP2 c.74A>G variant is predicted to result in the amino acid substitution p.Asp25Gly. To our knowledge, this variant has not been reported in the literature or in a large population database (gnomAD), indicating this variant is rare. At this time, the clinical significance of this variant is uncertain due to the absence of conclusive functional and genetic evidence.

Ambry Genetics
Classification: Uncertain significance. Last evaluated: 2025-11-03. Review status: criteria provided, single submitter. Criteria: Ambry Variant Classification Scheme 2023. Collection method: clinical testing. Allele origin: germline.

NM_003872.3(NRP2):c.74A>G (p.Asp25Gly)

Gene: NRP2 (neuropilin 2; plus strand). Cytogenetic location: 2q33.3.
Variant type: single nucleotide variant.
Coding change: c.74A>G on transcript NM_003872.3 (MANE Select); coding-DNA position 74, A replaced by G.
Protein change: p.Asp25Gly; replaces aspartic acid 25 with glycine.
Molecular consequence: missense variant.
Genome position (GRCh38, 1-based): chr2:205,697,544, A>G. VCF-style: chr2-205697544-A-G. GRCh37 (hg19) VCF-style: chr2-206562268-A-G.
Other names: c.74A>G, p.Asp25Gly (NM_018534.4, NM_201264.2, NM_201266.2 and 2 more transcripts); short protein forms D25G.
Identifiers: ClinVar variation 4559236 (VCV004559236.2).